The following is an entry in ClinVar:

ClinVar aggregate classification (germline): Uncertain significance (1 of 4 stars; one submission).

Allele frequency attached by ClinVar (database versions not stated): gnomAD exomes 0.00002; ESP Exome Variant Server 0.00008.
gnomAD v4.1: 21 of 1,604,418 alleles (0.0013%); highest among the groups gnomAD compares: Non-Finnish European, 0.0018%; no homozygotes.

Submission:

GeneDx
Classification: Uncertain significance. Last evaluated: 2023-04-20. Review status: criteria provided, single submitter. Criteria: GeneDx Variant Classification Process June 2021. Collection method: clinical testing. Allele origin: germline.
Comment: Not observed at significant frequency in large population cohorts (gnomAD); In silico analysis supports that this missense variant has a deleterious effect on protein structure/function; Has not been previously published as pathogenic or benign to our knowledge

NM_005068.3(SIM1):c.1218G>C (p.Trp406Cys)

Genes: SIM1 (SIM bHLH transcription factor 1; minus strand), SIM1-AS1 (SIM1 antisense RNA 1; plus strand). Cytogenetic location: 6q16.3.
Variant type: single nucleotide variant.
Coding change: c.1218G>C on transcript NM_005068.3 (MANE Select); coding-DNA position 1218, G replaced by C.
Protein change: p.Trp406Cys; replaces tryptophan 406 with cysteine.
Molecular consequence: missense variant.
Genome position (GRCh38, 1-based): chr6:100,393,839, C>G on the plus strand (G>C on the coding strand, the complement: SIM1 is on the minus strand). VCF-style: chr6-100393839-C-G. GRCh37 (hg19) VCF-style: chr6-100841715-C-G.
Other names: c.1218G>C, p.Trp406Cys (NM_001374769.1); short protein forms W406C.
Identifiers: ClinVar variation 1801104 (VCV001801104.2), dbSNP rs370131720, ClinGen allele CA144530514.